The following is an entry in ClinVar:

NM_001368809.2(AMPD2):c.1072A>G (p.Ile358Val)

Genes: AMPD2 (adenosine monophosphate deaminase 2; plus strand), LOC126805822 (BRD4-independent group 4 enhancer GRCh37_chr1:110170748-110171947; plus strand). Cytogenetic location: 1p13.3.
Variant type: single nucleotide variant.
Coding change: c.1072A>G on transcript NM_001368809.2 (MANE Select); coding-DNA position 1072, A replaced by G.
Protein change: p.Ile358Val; replaces isoleucine 358 with valine.
Molecular consequence: missense variant.
Genome position (GRCh38, 1-based): chr1:109,627,895, A>G. VCF-style: chr1-109627895-A-G. GRCh37 (hg19) VCF-style: chr1-110170517-A-G.
Other names: c.1234A>G (NM_001257360.1); c.880A>G, p.Ile294Val (NM_001257361.2); c.1009A>G, p.Ile337Val (NM_001308170.1); c.1072A>G, p.Ile358Val (NM_004037.9); c.991A>G, p.Ile331Val (NM_139156.4); short protein forms I331V, I337V, I358V, I294V.
Identifiers: ClinVar variation 864592 (VCV000864592.4), dbSNP rs1195759768, ClinGen allele CA341557776.

ClinVar aggregate classification (germline): Uncertain significance (1 of 4 stars; one submission).

Conditions:
Hereditary spastic paraplegia 63. Also called: Spastic paraplegia 63, autosomal recessive. Identifiers: Orphanet 401805, MedGen C3810295, MONDO:0014305, OMIM 615686.
Pontocerebellar hypoplasia type 9. Identifiers: Orphanet 369920, MedGen C4014354, MONDO:0014351, OMIM 615809.

Submission:

Labcorp Genetics (formerly Invitae), Labcorp
Classification: Uncertain significance for Pontocerebellar hypoplasia type 9; Hereditary spastic paraplegia 63. Last evaluated: 2021-08-27. Review status: criteria provided, single submitter. Criteria: Invitae Variant Classification Sherloc (09022015). Collection method: clinical testing. Allele origin: germline.
Comment: This sequence change replaces isoleucine with valine at codon 412 of the AMPD2 protein (p.Ile412Val). The isoleucine residue is moderately conserved and there is a small physicochemical difference between isoleucine and valine. This variant is not present in population databases (ExAC no frequency). This variant has not been reported in the literature in individuals affected with AMPD2-related conditions. Algorithms developed to predict the effect of missense changes on protein structure and function are either unavailable or do not agree on the potential impact of this missense change (SIFT: "Tolerated"; PolyPhen-2: "Possibly Damaging"; Align-GVGD: "Class C0"). In summary, the available evidence is currently insufficient to determine the role of this variant in disease. Therefore, it has been classified as a Variant of Uncertain Significance.